The following is an entry in ClinVar:

NM_000179.3(MSH6):c.3870dup (p.Lys1291Ter)

Gene: MSH6 (mutS homolog 6; plus strand). Cytogenetic location: 2p16.3.
Variant type: Duplication.
Coding change: c.3870dup on transcript NM_000179.3 (MANE Select); coding-DNA position 3870, one base duplicated (T; older notation c.3870dupT).
Protein change: p.Lys1291Ter; replaces lysine 1291 with a stop codon.
Molecular consequence: nonsense. On other transcripts: frameshift variant (2), non-coding transcript variant (5), intron variant (1).
Genome position (GRCh38, 1-based): chr2:47,806,520, T duplicated; the last of 2 consecutive T bases (chr2:47,806,519-47,806,520); duplicating either gives the same sequence. VCF-style (leftmost placement, unchanged base first): chr2-47806518-A-AT. GRCh37 (hg19) VCF-style: chr2-48033657-A-AT.
Other names: c.3480dup, p.Lys1161Ter (NM_001281492.2); c.2964dup, p.Lys989Ter (NM_001281493.2, NM_001281494.2, NM_001406811.1 and 6 more transcripts); c.3966dup, p.Lys1323Ter (NM_001406795.1); c.3870dup, p.Lys1291Ter (NM_001406796.1, NM_001406808.1, NM_001406809.1); c.3573dup, p.Lys1192Ter (NM_001406797.1, NM_001406801.1, NM_001406805.1 and 10 more transcripts); c.3696dup, p.Lys1233Ter (NM_001406798.1); c.3345dup, p.Lys1116Ter (NM_001406799.1, NM_001406806.1, NM_001406807.1); c.3857dup, p.Leu1286fs (NM_001406800.1); and 10 more; short protein forms K1003*, K1116*, K1265*, K1323*, K1161*, K1192*, K1233*, K240*.
Identifiers: ClinVar variation 4825253 (VCV004825253.1).

ClinVar aggregate classification (germline): Pathogenic (1 of 4 stars; one submission).

Conditions:
Hereditary cancer-predisposing syndrome. Also called: Neoplastic Syndromes, Hereditary; Tumor predisposition; Hereditary Cancer Syndrome; Hereditary neoplastic syndrome. Identifiers: Orphanet 140162, MedGen C0027672, MeSH D009386, MONDO:0015356.

Submission:

Ambry Genetics
Classification: Pathogenic for Hereditary cancer-predisposing syndrome. Last evaluated: 2026-01-21. Review status: criteria provided, single submitter. Criteria: Ambry Variant Classification Scheme 2023. Collection method: clinical testing. Allele origin: germline.
Comment: The c.3870dupT pathogenic mutation, located in coding exon 9 of the MSH6 gene, results from a duplication of T at nucleotide position 3870, causing a translational frameshift with a predicted alternate stop codon (p.K1291*). This variant is considered to be rare based on population cohorts in the Genome Aggregation Database (gnomAD). This alteration is expected to result in loss of function by premature protein truncation or nonsense-mediated mRNA decay. As such, this alteration is interpreted as a disease-causing mutation.